The following is an entry in ClinVar:

NM_001365951.3(KIF1B):c.2266T>C (p.Ser756Pro)

Gene: KIF1B (kinesin family member 1B; plus strand). Cytogenetic location: 1p36.22.
Variant type: single nucleotide variant.
Coding change: c.2266T>C on transcript NM_001365951.3 (MANE Select); coding-DNA position 2266, T replaced by C.
Protein change: p.Ser756Pro; replaces serine 756 with proline.
Molecular consequence: missense variant.
Genome position (GRCh38, 1-based): chr1:10,321,765, T>C. VCF-style: chr1-10321765-T-C. GRCh37 (hg19) VCF-style: chr1-10381823-T-C.
Other names: c.2266T>C, p.Ser756Pro (NM_001365952.1); c.2128T>C, p.Ser710Pro (NM_015074.3); short protein forms S710P, S756P.
Identifiers: ClinVar variation 4841881 (VCV004841881.1).
Genomic context (GRCh38, chr1:10,321,765, plus strand): 5'-TCAGTTCCTTGGACACAGCATGAATTTGAGTTGGCCCAATGGGCCTTCCGGAAATGGAAG[T>C]CTCATCAGTTTACTTCATTACGGGACTTACTCTGGGGCAATGCCGTGTACCTAAAGGAGG-3'
Protein context (NP_001352880.1, residues 746-766): LAQWAFRKWK[Ser756Pro]HQFTSLRDLL

ClinVar aggregate classification (germline): Uncertain significance (1 of 4 stars; one submission).

gnomAD v4.1: 1 of 1,614,128 alleles (0.000062%); highest among the groups gnomAD compares: Non-Finnish European, 0.000085%; no homozygotes.

Submission:

Ambry Genetics
Classification: Uncertain significance. Last evaluated: 2025-12-27. Review status: criteria provided, single submitter. Criteria: Ambry Variant Classification Scheme 2023. Collection method: clinical testing. Allele origin: germline.
Comment: The p.S710P variant (also known as c.2128T>C), located in coding exon 21 of the KIF1B gene, results from a T to C substitution at nucleotide position 2128. The serine at codon 710 is replaced by proline, an amino acid with similar properties. This amino acid position is conserved. In addition, this alteration is predicted to be tolerated by in silico analysis. Based on the available evidence, the clinical significance of this variant remains unclear.